The following is an entry in ClinVar:

NM_004006.3(DMD):c.7398del (p.Met2466fs)

Gene: DMD (dystrophin; minus strand). Cytogenetic location: Xp21.1.
Variant type: Deletion.
Coding change: c.7398del on transcript NM_004006.3 (MANE Select); coding-DNA position 7398, one base deleted (G; older notation c.7398delG).
Protein change: p.Met2466fs; shifts the reading frame from methionine 2466.
Molecular consequence: frameshift variant.
Genome position (GRCh38, 1-based): chrX:31,774,104, C deleted on the plus strand (G on the coding strand, the reverse complement: DMD is on the minus strand). VCF-style (leftmost placement, unchanged base first): chrX-31774103-AC-A. GRCh37 (hg19) VCF-style: chrX-31792220-AC-A.
Other names: c.7374del, p.Met2458fs (NM_000109.4); c.7386del, p.Met2462fs (NM_004009.3); c.7029del, p.Met2343fs (NM_004010.3); c.3375del, p.Met1125fs (NM_004011.4); c.3366del, p.Met1122fs (NM_004012.4); c.18del, p.Met6fs (NM_004013.3, NM_004020.4, NM_004021.3 and 2 more transcripts); short protein forms M2343fs, M2458fs, M1122fs, M2462fs, M1125fs, M2466fs, M6fs.
Identifiers: ClinVar variation 2848372 (VCV002848372.3), dbSNP rs2530840643, ClinGen allele CA2739268133.

ClinVar aggregate classification (germline): Pathogenic (1 of 4 stars; one submission).

Conditions:
Duchenne muscular dystrophy (DMD). Also called: MUSCULAR DYSTROPHY, PSEUDOHYPERTROPHIC PROGRESSIVE, DUCHENNE TYPE; Duchenne Muscular Dystrophy (DMD). Identifiers: Orphanet 98896, MedGen C0013264, MONDO:0010679, OMIM 310200.

Submission:

Labcorp Genetics (formerly Invitae), Labcorp
Classification: Pathogenic for Duchenne muscular dystrophy. Last evaluated: 2023-03-21. Review status: criteria provided, single submitter. Criteria: Invitae Variant Classification Sherloc (09022015). Collection method: clinical testing. Allele origin: germline.
Comment: This sequence change creates a premature translational stop signal (p.Met2466Ilefs*28) in the DMD gene. It is expected to result in an absent or disrupted protein product. Loss-of-function variants in DMD are known to be pathogenic (PMID: 16770791, 25007885). This variant is not present in population databases (gnomAD no frequency). This variant has not been reported in the literature in individuals affected with DMD-related conditions. For these reasons, this variant has been classified as Pathogenic.

Literature cited by the submitters: PubMed 16770791; PubMed 25007885.